The following is an entry in ClinVar:

NM_001130823.3(DNMT1):c.2769C>G (p.Ile923Met)

Gene: DNMT1 (DNA methyltransferase 1; minus strand). Cytogenetic location: 19p13.2.
Variant type: single nucleotide variant.
Coding change: c.2769C>G on transcript NM_001130823.3 (MANE Select); coding-DNA position 2769, C replaced by G.
Protein change: p.Ile923Met; replaces isoleucine 923 with methionine.
Molecular consequence: missense variant.
Genome position (GRCh38, 1-based): chr19:10,146,476, G>C on the plus strand (C>G on the coding strand, the complement: DNMT1 is on the minus strand). VCF-style: chr19-10146476-G-C. GRCh37 (hg19) VCF-style: chr19-10257152-G-C.
Other names: c.2721C>G, p.Ile907Met (NM_001318730.2, NM_001379.4); c.2406C>G, p.Ile802Met (NM_001318731.2); short protein forms I923M, I907M, I802M.
Identifiers: ClinVar variation 1944875 (VCV001944875.5), dbSNP rs2513799079, ClinGen allele CA403976344.
Genomic context (GRCh38, chr19:10,146,476, plus strand): 5'-GGTGGCTGAGTAGTAGAGGACCCGGCTATCCAGGTCCTCGAGCTGCTCCAGGACCCTGGG[G>C]ATTTCTTTTTGCCTCATCTCAGCCAGACGGGCACAGCTCACACAGAATCTGAAGGAAACA-3'
Protein context (NP_001124295.1, residues 913-933): ARLAEMRQKE[Ile923Met]PRVLEQLEDL

ClinVar aggregate classification (germline): Uncertain significance (1 of 4 stars; one submission).

Conditions:
Hereditary sensory neuropathy-deafness-dementia syndrome. Also called: Hereditary sensory neuropathy type IE; Hereditary Sensory and Autonomic Neuropathy Type 1E (HSAN1E); HSN IE; NEUROPATHY, HEREDITARY SENSORY, WITH HEARING LOSS AND DEMENTIA. Identifiers: Orphanet 456318, MedGen C3279885, MONDO:0013584, OMIM 614116.

gnomAD v4.1: 2 of 1,614,152 alleles (0.00012%); highest among the groups gnomAD compares: Non-Finnish European, 0.00017%; no homozygotes.

Submission:

Labcorp Genetics (formerly Invitae), Labcorp
Classification: Uncertain significance for Hereditary sensory neuropathy-deafness-dementia syndrome. Last evaluated: 2025-02-27. Review status: criteria provided, single submitter. Criteria: Invitae Variant Classification Sherloc (09022015). Collection method: clinical testing. Allele origin: germline.
Comment: This sequence change replaces isoleucine, which is neutral and non-polar, with methionine, which is neutral and non-polar, at codon 923 of the DNMT1 protein (p.Ile923Met). This variant is not present in population databases (gnomAD no frequency). This variant has not been reported in the literature in individuals affected with DNMT1-related conditions. ClinVar contains an entry for this variant (Variation ID: 1944875). Invitae Evidence Modeling of protein sequence and biophysical properties (such as structural, functional, and spatial information, amino acid conservation, physicochemical variation, residue mobility, and thermodynamic stability) indicates that this missense variant is not expected to disrupt DNMT1 protein function with a negative predictive value of 80%. In summary, the available evidence is currently insufficient to determine the role of this variant in disease. Therefore, it has been classified as a Variant of Uncertain Significance.